The following is an entry in ClinVar:

ClinVar aggregate classification (germline): Uncertain significance (1 of 4 stars; one submission).

Conditions:
Spastic paraplegia. Identifiers: MedGen C0037772, HP:0001258.

Allele frequency attached by ClinVar (database versions not stated): gnomAD exomes 0.00001 and 0.00002.
gnomAD v4.1: 33 of 1,613,734 alleles (0.002%); highest among the groups gnomAD compares: Non-Finnish European, 0.0028%; no homozygotes.

Submission:

Labcorp Genetics (formerly Invitae), Labcorp
Classification: Uncertain significance for Spastic paraplegia. Last evaluated: 2021-10-11. Review status: criteria provided, single submitter. Criteria: Invitae Variant Classification Sherloc (09022015). Collection method: clinical testing. Allele origin: germline.
Comment: This sequence change replaces lysine with asparagine at codon 273 of the CYP7B1 protein (p.Lys273Asn). The lysine residue is highly conserved and there is a moderate physicochemical difference between lysine and asparagine. This variant is not present in population databases (ExAC no frequency). This variant has not been reported in the literature in individuals affected with CYP7B1-related conditions. Algorithms developed to predict the effect of missense changes on protein structure and function are either unavailable or do not agree on the potential impact of this missense change (SIFT: "Deleterious"; PolyPhen-2: "Probably Damaging"; Align-GVGD: "Class C0"). In summary, the available evidence is currently insufficient to determine the role of this variant in disease. Therefore, it has been classified as a Variant of Uncertain Significance.

NM_004820.5(CYP7B1):c.819A>C (p.Lys273Asn)

Gene: CYP7B1 (cytochrome P450 family 7 subfamily B member 1; minus strand). Cytogenetic location: 8q12.3.
Variant type: single nucleotide variant.
Coding change: c.819A>C on transcript NM_004820.5 (MANE Select); coding-DNA position 819, A replaced by C.
Protein change: p.Lys273Asn; replaces lysine 273 with asparagine.
Molecular consequence: missense variant.
Genome position (GRCh38, 1-based): chr8:64,615,722, T>G on the plus strand (A>C on the coding strand, the complement: CYP7B1 is on the minus strand). VCF-style: chr8-64615722-T-G. GRCh37 (hg19) VCF-style: chr8-65528279-T-G.
Other names: c.819A>C, p.Lys273Asn (NM_001324112.2); short protein forms K273N.
Identifiers: ClinVar variation 1446783 (VCV001446783.3), dbSNP rs1331028527, ClinGen allele CA371334899.